The following is an entry in ClinVar:

ClinVar aggregate classification (germline): Uncertain significance (1 of 4 stars; one submission).

gnomAD v4.1: 21 of 1,608,830 alleles (0.0013%); highest among the groups gnomAD compares: African/African-American, 0.012%; no homozygotes.

Submission:

GeneDx
Classification: Uncertain significance. Last evaluated: 2026-03-06. Review status: criteria provided, single submitter. Criteria: GeneDx Variant Classification Process June 2021. Collection method: clinical testing. Allele origin: germline.
Comment: Has not been previously published as pathogenic or benign to our knowledge; Reported using an alternate transcript of the gene; In silico analysis does not support a benign or deleterious effect of this variant on protein structure/function

NM_001018005.2(TPM1):c.*36C>T

Gene: TPM1 (tropomyosin 1; plus strand). Cytogenetic location: 15q22.2.
Variant type: single nucleotide variant.
Coding change: c.*36C>T on transcript NM_001018005.2 (MANE Select); 36 bases downstream of the stop codon, C replaced by T.
Molecular consequence: 3 prime UTR variant. On other transcripts: missense variant (5), non-coding transcript variant (6), intron variant (14).
Genome position (GRCh38, 1-based): chr15:63,065,935, C>T. VCF-style: chr15-63065935-C-T. GRCh37 (hg19) VCF-style: chr15-63358134-C-T.
Other names: c.*84C>T (NM_000366.6, NM_001365779.1, NM_001407323.1 and 1 more transcripts); c.*36C>T (NM_001301244.2, NM_001330346.2, NM_001407322.1 and 3 more transcripts); c.812C>T, p.Ser271Leu (NM_001365777.1, NM_001407327.1, NM_001407328.1); c.704C>T, p.Ser235Leu (NM_001365780.1, NM_001407342.1); c.*1789C>T (NM_001365781.2, NM_001365782.1, NM_001407333.1 and 1 more transcripts); c.898+3290C>T (NM_001365778.1); c.772+3290C>T (NM_001407336.1, NM_001018020.2, NM_001407338.1 and 5 more transcripts); c.851+1793C>T (NM_001407326.1); and 1 more; short protein forms S235L, S271L.
Identifiers: ClinVar variation 4891523 (VCV004891523.1).